The following is an entry in ClinVar:

ClinVar aggregate classification (germline): Uncertain significance. Review status: criteria provided, multiple submitters, no conflicts (2 of 4 stars). 2 submissions from 2 submitters: Uncertain significance (2). Last evaluated 2025-10-30.

Conditions:
Hereditary cancer-predisposing syndrome. Also called: Neoplastic Syndromes, Hereditary; Tumor predisposition; Hereditary Cancer Syndrome; Hereditary neoplastic syndrome. Identifiers: Orphanet 140162, MedGen C0027672, MeSH D009386, MONDO:0015356.

Submissions (2):

Ambry Genetics
Classification: Uncertain significance for Hereditary cancer-predisposing syndrome. Last evaluated: 2025-10-30. Review status: criteria provided, single submitter. Criteria: Ambry Variant Classification Scheme 2023. Collection method: clinical testing. Allele origin: germline.
Comment: The p.V73L variant (also known as c.217G>C), located in coding exon 2 of the FH gene, results from a G to C substitution at nucleotide position 217. The valine at codon 73 is replaced by leucine, an amino acid with highly similar properties. This amino acid position is highly conserved in available vertebrate species. In addition, this alteration is predicted to be deleterious by in silico analysis. Since supporting evidence is limited at this time, the clinical significance of this alteration remains unclear.

Labcorp Genetics (formerly Invitae), Labcorp
Classification: Uncertain significance. Last evaluated: 2025-10-01. Review status: criteria provided, single submitter. Criteria: Invitae Variant Classification Sherloc (09022015). Collection method: clinical testing. Allele origin: germline.
Comment: This sequence change replaces valine, which is neutral and non-polar, with leucine, which is neutral and non-polar, at codon 73 of the FH protein (p.Val73Leu). This variant is not present in population databases (gnomAD no frequency). This variant has not been reported in the literature in individuals affected with FH-related conditions. ClinVar contains an entry for this variant (Variation ID: 1787250). Invitae Evidence Modeling of protein sequence and biophysical properties (such as structural, functional, and spatial information, amino acid conservation, physicochemical variation, residue mobility, and thermodynamic stability) indicates that this missense variant is not expected to disrupt FH protein function with a negative predictive value of 95%. In summary, the available evidence is currently insufficient to determine the role of this variant in disease. Therefore, it has been classified as a Variant of Uncertain Significance.

NM_000143.4(FH):c.217G>C (p.Val73Leu)

Gene: FH (fumarate hydratase; minus strand). Cytogenetic location: 1q43.
Variant type: single nucleotide variant.
Coding change: c.217G>C on transcript NM_000143.4 (MANE Select); coding-DNA position 217, G replaced by C.
Protein change: p.Val73Leu; replaces valine 73 with leucine.
Molecular consequence: missense variant.
Genome position (GRCh38, 1-based): chr1:241,517,232, C>G on the plus strand (G>C on the coding strand, the complement: FH is on the minus strand). VCF-style: chr1-241517232-C-G. GRCh37 (hg19) VCF-style: chr1-241680532-C-G.
Other names: short protein forms V73L.
Identifiers: ClinVar variation 1787250 (VCV001787250.4), dbSNP rs201878591, ClinGen allele CA345441794.
Genomic context (GRCh38, chr1:241,517,232, plus strand): 5'-TGCCACTTACTGGCATGCGTTCTGTCACACCTCCAATCTTAAAGTTCATCGTAGATCTCA[C>G]GGTCTGGGCGCCATAATACTTATCATTTGGCACCTTTAGTTCACCAAAGGTATCATATTC-3'
Protein context (NP_000134.2, residues 63-83): PNDKYYGAQT[Val73Leu]RSTMNFKIGG